The following is an entry in ClinVar:

NM_001365951.3(KIF1B):c.4145A>G (p.Tyr1382Cys)

Gene: KIF1B (kinesin family member 1B; plus strand). Cytogenetic location: 1p36.22.
Variant type: single nucleotide variant.
Coding change: c.4145A>G on transcript NM_001365951.3 (MANE Select); coding-DNA position 4145, A replaced by G.
Protein change: p.Tyr1382Cys; replaces tyrosine 1382 with cysteine.
Molecular consequence: missense variant.
Genome position (GRCh38, 1-based): chr1:10,361,018, A>G. VCF-style: chr1-10361018-A-G. GRCh37 (hg19) VCF-style: chr1-10421076-A-G.
Other names: c.4145A>G, p.Tyr1382Cys (NM_001365952.1); c.4007A>G, p.Tyr1336Cys (NM_015074.3); short protein forms Y1382C, Y1336C.
Identifiers: ClinVar variation 3534066 (VCV003534066.1).
Genomic context (GRCh38, chr1:10,361,018, plus strand): 5'-ATAGCTCTCTGCATAACTCCCTTCTTCTGAACCGAGTGACACCCTATGGAGAAAAGATCT[A>G]CATGACCTTGTCGGCCTACCTAGAGGTGAGGAGACTTGGAACTTCAGTTGATGCCAACAG-3'
Protein context (NP_001352880.1, residues 1372-1392): NRVTPYGEKI[Tyr1382Cys]MTLSAYLELD

ClinVar aggregate classification (germline): Uncertain significance (1 of 4 stars; one submission).

gnomAD v4.1: 1 of 1,613,344 alleles (0.000062%); highest among the groups gnomAD compares: Non-Finnish European, 0.000085%; no homozygotes.

Submission:

Ambry Genetics
Classification: Uncertain significance. Last evaluated: 2024-11-02. Review status: criteria provided, single submitter. Criteria: Ambry Variant Classification Scheme 2023. Collection method: clinical testing. Allele origin: germline.
Comment: The p.Y1336C variant (also known as c.4007A>G), located in coding exon 36 of the KIF1B gene, results from an A to G substitution at nucleotide position 4007. The tyrosine at codon 1336 is replaced by cysteine, an amino acid with highly dissimilar properties. This amino acid position is conserved. In addition, this alteration is predicted to be deleterious by in silico analysis. Based on the available evidence, the clinical significance of this variant remains unclear.